The following is an entry in ClinVar:

NM_001128840.3(CACNA1D):c.6238T>C (p.Phe2080Leu)

Gene: CACNA1D (calcium voltage-gated channel subunit alpha1 D; plus strand). Cytogenetic location: 3p21.1.
Variant type: single nucleotide variant.
Coding change: c.6238T>C on transcript NM_001128840.3 (MANE Select); coding-DNA position 6238, T replaced by C.
Protein change: p.Phe2080Leu; replaces phenylalanine 2080 with leucine.
Molecular consequence: missense variant.
Genome position (GRCh38, 1-based): chr3:53,811,158, T>C. VCF-style: chr3-53811158-T-C. GRCh37 (hg19) VCF-style: chr3-53845185-T-C.
Other names: c.6298T>C, p.Phe2100Leu (NM_000720.4); c.6166T>C, p.Phe2056Leu (NM_001128839.3); short protein forms F2100L, F2080L, F2056L.
Identifiers: ClinVar variation 3262731 (VCV003262731.3).

ClinVar aggregate classification (germline): Uncertain significance. Review status: criteria provided, multiple submitters, no conflicts (2 of 4 stars). 2 submissions from 2 submitters: Uncertain significance (2). Last evaluated 2024-10-06.

Conditions:
Inborn genetic diseases. Identifiers: MedGen C0950123, MeSH D030342.

gnomAD v4.1: 3 of 1,614,088 alleles (0.00019%); highest among the groups gnomAD compares: East Asian, 0.0067%; no homozygotes.

Submissions (2):

Labcorp Genetics (formerly Invitae), Labcorp
Classification: Uncertain significance. Last evaluated: 2024-10-06. Review status: criteria provided, single submitter. Criteria: Invitae Variant Classification Sherloc (09022015). Collection method: clinical testing. Allele origin: germline.
Comment: This sequence change replaces phenylalanine, which is neutral and non-polar, with leucine, which is neutral and non-polar, at codon 2100 of the CACNA1D protein (p.Phe2100Leu). This variant is present in population databases (rs762624826, gnomAD 0.02%). This variant has not been reported in the literature in individuals affected with CACNA1D-related conditions. An algorithm developed to predict the effect of missense changes on protein structure and function (PolyPhen-2) suggests that this variant is likely to be disruptive. In summary, the available evidence is currently insufficient to determine the role of this variant in disease. Therefore, it has been classified as a Variant of Uncertain Significance.

Ambry Genetics
Classification: Uncertain significance for Inborn genetic diseases. Last evaluated: 2024-04-17. Review status: criteria provided, single submitter. Criteria: Ambry Variant Classification Scheme 2023. Collection method: clinical testing. Allele origin: germline.